The following is an entry in ClinVar:

ClinVar aggregate classification (germline): Uncertain significance (1 of 4 stars; one submission).

Allele frequency attached by ClinVar (database versions not stated): gnomAD exomes below 0.00001.
gnomAD v4.1: 3 of 1,598,598 alleles (0.00019%); highest among the groups gnomAD compares: Non-Finnish European, 0.00026%; no homozygotes.

Submission:

Labcorp Genetics (formerly Invitae), Labcorp
Classification: Uncertain significance. Last evaluated: 2022-02-17. Review status: criteria provided, single submitter. Criteria: Invitae Variant Classification Sherloc (09022015). Collection method: clinical testing. Allele origin: germline.
Comment: This sequence change replaces leucine, which is neutral and non-polar, with serine, which is neutral and polar, at codon 233 of the SCLT1 protein (p.Leu233Ser). This variant is not present in population databases (gnomAD no frequency). This variant has not been reported in the literature in individuals affected with SCLT1-related conditions. In summary, the available evidence is currently insufficient to determine the role of this variant in disease. Therefore, it has been classified as a Variant of Uncertain Significance. Algorithms developed to predict the effect of missense changes on protein structure and function output the following: SIFT: "Tolerated"; PolyPhen-2: "Benign"; Align-GVGD: "Class C0". The serine amino acid residue is found in multiple mammalian species, which suggests that this missense change does not adversely affect protein function.

NM_144643.4(SCLT1):c.698T>C (p.Leu233Ser)

Gene: SCLT1 (sodium channel and clathrin linker 1; minus strand). Cytogenetic location: 4q28.2.
Variant type: single nucleotide variant.
Coding change: c.698T>C on transcript NM_144643.4 (MANE Select); coding-DNA position 698, T replaced by C.
Protein change: p.Leu233Ser; replaces leucine 233 with serine.
Molecular consequence: missense variant.
Genome position (GRCh38, 1-based): chr4:128,970,457, A>G on the plus strand (T>C on the coding strand, the complement: SCLT1 is on the minus strand). VCF-style: chr4-128970457-A-G. GRCh37 (hg19) VCF-style: chr4-129891612-A-G.
Other names: c.698T>C, p.Leu233Ser (NM_001410807.1); short protein forms L233S.
Identifiers: ClinVar variation 2097940 (VCV002097940.4), dbSNP rs1560909151, ClinGen allele CA358189376.